The following is an entry in ClinVar:

ClinVar aggregate classification (germline): Uncertain significance (1 of 4 stars; one submission).

Conditions:
Progressive sclerosing poliodystrophy (MTDPS4A). Also called: ALPERS PROGRESSIVE INFANTILE POLIODYSTROPHY; NEURONAL DEGENERATION OF CHILDHOOD WITH LIVER DISEASE, PROGRESSIVE; Alpers Syndrome; ALPERS DIFFUSE DEGENERATION OF CEREBRAL GRAY MATTER WITH HEPATIC CIRRHOSIS; Alpers-Huttenlocher Syndrome; Mitochondrial DNA depletion syndrome 4A (Alpers type). Identifiers: Orphanet 726, MedGen C0205710, MONDO:0008758, OMIM 203700.

Allele frequency attached by ClinVar (database versions not stated): gnomAD exomes below 0.00001.
gnomAD v4.1: 1 of 1,614,062 alleles (0.000062%); highest among the groups gnomAD compares: East Asian, 0.0022%; no homozygotes.

Submission:

Labcorp Genetics (formerly Invitae), Labcorp
Classification: Uncertain significance for Progressive sclerosing poliodystrophy. Last evaluated: 2023-10-04. Review status: criteria provided, single submitter. Criteria: Invitae Variant Classification Sherloc (09022015). Collection method: clinical testing. Allele origin: germline.
Comment: This sequence change falls in intron 5 of the POLG gene. It does not directly change the encoded amino acid sequence of the POLG protein. It affects a nucleotide within the consensus splice site. This variant is present in population databases (no rsID available, gnomAD 0.006%). This variant has not been reported in the literature in individuals affected with POLG-related conditions. Variants that disrupt the consensus splice site are a relatively common cause of aberrant splicing (PMID: 17576681, 9536098). Algorithms developed to predict the effect of sequence changes on RNA splicing suggest that this variant is not likely to affect RNA splicing. In summary, the available evidence is currently insufficient to determine the role of this variant in disease. Therefore, it has been classified as a Variant of Uncertain Significance.

Literature cited by the submitters: PubMed 17576681; PubMed 9536098.

NM_002693.3(POLG):c.1170+3A>G

Gene: POLG (DNA polymerase gamma, catalytic subunit; minus strand). Cytogenetic location: 15q26.1.
Variant type: single nucleotide variant.
Coding change: c.1170+3A>G on transcript NM_002693.3 (MANE Select); 3 bases into the intron after coding-DNA position 1170, A replaced by G.
Molecular consequence: intron variant.
Genome position (GRCh38, 1-based): chr15:89,328,682, T>C on the plus strand (A>G on the coding strand, the complement: POLG is on the minus strand). VCF-style: chr15-89328682-T-C. GRCh37 (hg19) VCF-style: chr15-89871913-T-C.
Other names: c.1170+3A>G (NM_001126131.2).
Identifiers: ClinVar variation 2762763 (VCV002762763.3), dbSNP rs1184256766, ClinGen allele CA619857486.